The following is an entry in ClinVar:

ClinVar aggregate classification (germline): Uncertain significance (1 of 4 stars; one submission).

Conditions:
Lethal multiple pterygium syndrome (LMPS). Identifiers: Orphanet 33108, MedGen C1854678, MONDO:0009668, OMIM 253290.

gnomAD v4.1: 2 of 1,614,046 alleles (0.00012%); highest among the groups gnomAD compares: Non-Finnish European, 0.00017%; no homozygotes.

Submission:

Labcorp Genetics (formerly Invitae), Labcorp
Classification: Uncertain significance for Lethal multiple pterygium syndrome. Last evaluated: 2022-09-10. Review status: criteria provided, single submitter. Criteria: Invitae Variant Classification Sherloc (09022015). Collection method: clinical testing. Allele origin: germline.
Comment: In summary, the available evidence is currently insufficient to determine the role of this variant in disease. Therefore, it has been classified as a Variant of Uncertain Significance. Advanced modeling of protein sequence and biophysical properties (such as structural, functional, and spatial information, amino acid conservation, physicochemical variation, residue mobility, and thermodynamic stability) performed at Invitae indicates that this missense variant is not expected to disrupt CHRNA1 protein function. This variant has not been reported in the literature in individuals affected with CHRNA1-related conditions. This variant is not present in population databases (gnomAD no frequency). This sequence change replaces isoleucine, which is neutral and non-polar, with leucine, which is neutral and non-polar, at codon 309 of the CHRNA1 protein (p.Ile309Leu).

NM_000079.4(CHRNA1):c.925A>C (p.Ile309Leu)

Gene: CHRNA1 (cholinergic receptor nicotinic alpha 1 subunit; minus strand). Cytogenetic location: 2q31.1.
Variant type: single nucleotide variant.
Coding change: c.925A>C on transcript NM_000079.4 (MANE Select); coding-DNA position 925, A replaced by C.
Protein change: p.Ile309Leu; replaces isoleucine 309 with leucine.
Molecular consequence: missense variant.
Genome position (GRCh38, 1-based): chr2:174,750,023, T>G on the plus strand (A>C on the coding strand, the complement: CHRNA1 is on the minus strand). VCF-style: chr2-174750023-T-G. GRCh37 (hg19) VCF-style: chr2-175614751-T-G.
Other names: c.1000A>C, p.Ile334Leu (NM_001039523.3); short protein forms I334L, I309L.
Identifiers: ClinVar variation 1992257 (VCV001992257.4), dbSNP rs199470446, ClinGen allele CA60848817.
Genomic context (GRCh38, chr2:174,750,023, plus strand): 5'-GCATGACATGGGTGCTGGGTGAGCGGTGGTGTGTGTTGATGACGATGACAGTGATGATGA[T>G]GGAGGCAATGACGAACACCATGGTGAACAGCATGTATTTTCCAATCAAGGGCACAGCACT-3'
Protein context (NP_000070.1, residues 299-319): LFTMVFVIAS[Ile309Leu]IITVIVINTH